The following is an entry in ClinVar:

ClinVar aggregate classification (germline): Uncertain significance. Review status: criteria provided, multiple submitters, no conflicts (2 of 4 stars). 6 submissions from 6 submitters: Uncertain significance (6). Last evaluated 2025-05-22.

Conditions:
Breast-ovarian cancer, familial, susceptibility to, 4. Identifiers: Orphanet 145, MedGen C3280345, MONDO:0013669, OMIM 614291.
Hereditary cancer-predisposing syndrome. Also called: Hereditary neoplastic syndrome; Tumor predisposition; Hereditary Cancer Syndrome; Neoplastic Syndromes, Hereditary. Identifiers: Orphanet 140162, MedGen C0027672, MeSH D009386, MONDO:0015356.

Allele frequency attached by ClinVar (database versions not stated): gnomAD exomes below 0.00001; TOPMed below 0.00001; gnomAD 0.00001.
gnomAD v4.1: 3 of 1,614,042 alleles (0.00019%); highest among the groups gnomAD compares: Non-Finnish European, 0.00025%; no homozygotes.

Submissions (6):

Ambry Genetics
Classification: Uncertain significance for Hereditary cancer-predisposing syndrome. Last evaluated: 2025-05-22. Review status: criteria provided, single submitter. Criteria: Ambry Variant Classification Scheme 2023. Collection method: clinical testing. Allele origin: germline.
Comment: The p.P262T variant (also known as c.784C>A), located in coding exon 9 of the RAD51D gene, results from a C to A substitution at nucleotide position 784. The proline at codon 262 is replaced by threonine, an amino acid with highly similar properties. This variant has been reported in 1 of 1197 individuals from Greece, Romania, and Turkey undergoing evaluation for inherited cancer predisposition (Tsaousis GN et al. BMC Cancer, 2019 Jun;19:535). This amino acid position is highly conserved in available vertebrate species. In addition, the in silico prediction for this alteration is inconclusive. Based on the available evidence, the clinical significance of this variant remains unclear.

Labcorp Genetics (formerly Invitae), Labcorp
Classification: Uncertain significance for Breast-ovarian cancer, familial, susceptibility to, 4. Last evaluated: 2025-03-17. Review status: criteria provided, single submitter. Criteria: Invitae Variant Classification Sherloc (09022015). Collection method: clinical testing. Allele origin: germline.
Comment: This sequence change replaces proline, which is neutral and non-polar, with threonine, which is neutral and polar, at codon 262 of the RAD51D protein (p.Pro262Thr). This variant is present in population databases (no rsID available, gnomAD 0.002%). This missense change has been observed in individual(s) with clinical features of RAD51D-related conditions (PMID: 31159747). ClinVar contains an entry for this variant (Variation ID: 492444). Invitae Evidence Modeling of protein sequence and biophysical properties (such as structural, functional, and spatial information, amino acid conservation, physicochemical variation, residue mobility, and thermodynamic stability) indicates that this missense variant is not expected to disrupt RAD51D protein function with a negative predictive value of 80%. In summary, the available evidence is currently insufficient to determine the role of this variant in disease. Therefore, it has been classified as a Variant of Uncertain Significance.

Baylor Genetics
Classification: Uncertain significance for Breast-ovarian cancer, familial, susceptibility to, 4. Last evaluated: 2024-02-15. Review status: criteria provided, single submitter. Criteria: ACMG Guidelines, 2015. Collection method: clinical testing. Allele origin: unknown.

Color Diagnostics, LLC DBA Color Health
Classification: Uncertain significance for Hereditary cancer-predisposing syndrome. Last evaluated: 2021-01-25. Review status: criteria provided, single submitter. Criteria: ACMG Guidelines, 2015. Collection method: clinical testing. Allele origin: germline.
Comment: This missense variant replaces proline with threonine at codon 262 of the RAD51D protein. Computational prediction is inconclusive regarding the impact of this variant on protein structure and function (internally defined REVEL score threshold 0.5 < inconclusive < 0.7, PMID: 27666373). To our knowledge, functional studies have not been reported for this variant. This variant has not been reported in individuals affected with hereditary cancer in the literature. This variant has been identified in 2/282802 chromosomes in the general population by the Genome Aggregation Database (gnomAD). The available evidence is insufficient to determine the role of this variant in disease conclusively. Therefore, this variant is classified as a Variant of Uncertain Significance.

GeneDx
Classification: Uncertain significance. Last evaluated: 2020-09-11. Review status: criteria provided, single submitter. Criteria: GeneDx Variant Classification Process June 2021. Collection method: clinical testing. Allele origin: germline. Affected: yes.
Comment: Not observed at a significant frequency in large population cohorts (Lek 2016); In silico analysis supports that this missense variant has a deleterious effect on protein structure/function; Observed in an individual undergoing hereditary cancer panel testing (Tsaousis 2019); This variant is associated with the following publications: (PMID: 31159747)

GeneKor MSA
Classification: Uncertain significance for Hereditary cancer-predisposing syndrome. Last evaluated: 2018-08-01. Review status: criteria provided, single submitter. Criteria: ACMG Guidelines, 2015. Collection method: clinical testing. Allele origin: germline. Affected: yes.

Literature cited by the submitters: PubMed 31159747 (cited by Ambry Genetics and Labcorp Genetics (formerly Invitae), Labcorp).

NM_002878.4(RAD51D):c.784C>A (p.Pro262Thr)

Genes: RAD51L3-RFFL (RAD51L3-RFFL readthrough; minus strand), RAD51D (RAD51 paralog D; minus strand). Cytogenetic location: 17q12.
Variant type: single nucleotide variant.
Coding change: c.784C>A on transcript NM_002878.4 (MANE Select); coding-DNA position 784, C replaced by A.
Protein change: p.Pro262Thr; replaces proline 262 with threonine.
Molecular consequence: missense variant. On other transcripts: non-coding transcript variant (3).
Genome position (GRCh38, 1-based): chr17:35,101,320, G>T on the plus strand (C>A on the coding strand, the complement: RAD51D is on the minus strand). VCF-style: chr17-35101320-G-T. GRCh37 (hg19) VCF-style: chr17-33428339-G-T.
Other names: c.844C>A, p.Pro282Thr (NM_001142571.2); c.448C>A, p.Pro150Thr (NM_133629.3); short protein forms P262T, P150T, P282T.
Identifiers: ClinVar variation 492444 (VCV000492444.20), dbSNP rs1340405420, ClinGen allele CA399086840.